The following is an entry in ClinVar:

ClinVar aggregate classification (germline): Uncertain significance (1 of 4 stars; one submission).

Conditions:
Inborn genetic diseases. Identifiers: MedGen C0950123, MeSH D030342.

Submission:

Ambry Genetics
Classification: Uncertain significance for Inborn genetic diseases. Last evaluated: 2025-12-22. Review status: criteria provided, single submitter. Criteria: Ambry Variant Classification Scheme 2023. Collection method: clinical testing. Allele origin: germline.
Comment: The p.A342S variant (also known as c.1024G>T), located in coding exon 10 of the DDX41 gene, results from a G to T substitution at nucleotide position 1024. The alanine at codon 342 is replaced by serine, an amino acid with similar properties. This amino acid position is conserved. In addition, this alteration is predicted to be tolerated by in silico analysis. Based on the available evidence, the clinical significance of this variant remains unclear.

NM_016222.4(DDX41):c.1024G>T (p.Ala342Ser)

Gene: DDX41 (DEAD-box helicase 41; minus strand). Cytogenetic location: 5q35.3.
Variant type: single nucleotide variant.
Coding change: c.1024G>T on transcript NM_016222.4 (MANE Select); coding-DNA position 1024, G replaced by T.
Protein change: p.Ala342Ser; replaces alanine 342 with serine.
Molecular consequence: missense variant.
Genome position (GRCh38, 1-based): chr5:177,513,759, C>A on the plus strand (G>T on the coding strand, the complement: DDX41 is on the minus strand). VCF-style: chr5-177513759-C-A. GRCh37 (hg19) VCF-style: chr5-176940760-C-A.
Other names: c.646G>T, p.Ala216Ser (NM_001321732.2, NM_001321830.2); short protein forms A216S, A342S.
Identifiers: ClinVar variation 4841795 (VCV004841795.1).
Genomic context (GRCh38, chr5:177,513,759, plus strand): 5'-AGATGGTACGGATGTCACCCTCGAAGCCCATGTCGATCATGCGGTCAGCCTCGTCCAGGG[C>A]CAGGTAGCGACAGATGTCTAGGCTGACCATCTTCTTCTGCAGCAAATCCATGAGGCGCCC-3'
Protein context (NP_057306.2, residues 332-352): MVSLDICRYL[Ala342Ser]LDEADRMIDM